The following is an entry in ClinVar:

ClinVar aggregate classification (germline): Uncertain significance (1 of 4 stars; one submission).

Conditions:
LAMA2-related muscular dystrophy (LAMA2-RD). Also called: Laminin alpha 2-related dystrophy. Identifiers: MedGen C5679788, MONDO:0100228.

Submission:

Labcorp Genetics (formerly Invitae), Labcorp
Classification: Uncertain significance for LAMA2-related muscular dystrophy. Last evaluated: 2021-11-16. Review status: criteria provided, single submitter. Criteria: Invitae Variant Classification Sherloc (09022015). Collection method: clinical testing. Allele origin: germline.
Comment: In summary, the available evidence is currently insufficient to determine the role of this variant in disease. Therefore, it has been classified as a Variant of Uncertain Significance. Algorithms developed to predict the effect of missense changes on protein structure and function are either unavailable or do not agree on the potential impact of this missense change (SIFT: "Deleterious"; PolyPhen-2: "Probably Damaging"; Align-GVGD: "Class C0"). This variant has not been reported in the literature in individuals affected with LAMA2-related conditions. This variant is not present in population databases (gnomAD no frequency). This sequence change replaces aspartic acid, which is acidic and polar, with tyrosine, which is neutral and polar, at codon 2695 of the LAMA2 protein (p.Asp2695Tyr).

NM_000426.4(LAMA2):c.8083G>T (p.Asp2695Tyr)

Gene: LAMA2 (laminin subunit alpha 2; plus strand). Cytogenetic location: 6q22.33.
Variant type: single nucleotide variant.
Coding change: c.8083G>T on transcript NM_000426.4 (MANE Select); coding-DNA position 8083, G replaced by T.
Protein change: p.Asp2695Tyr; replaces aspartic acid 2695 with tyrosine.
Molecular consequence: missense variant.
Genome position (GRCh38, 1-based): chr6:129,492,322, G>T. VCF-style: chr6-129492322-G-T. GRCh37 (hg19) VCF-style: chr6-129813467-G-T.
Other names: c.8071G>T, p.Asp2691Tyr (NM_001079823.2); short protein forms D2695Y, D2691Y.
Identifiers: ClinVar variation 1393624 (VCV001393624.6), dbSNP rs2114860636, ClinGen allele CA365631285.